The following is an entry in ClinVar:

NM_001458.5(FLNC):c.31G>A (p.Gly11Ser)

Gene: FLNC (filamin C; plus strand). Cytogenetic location: 7q32.1.
Variant type: single nucleotide variant.
Coding change: c.31G>A on transcript NM_001458.5 (MANE Select); coding-DNA position 31, G replaced by A.
Protein change: p.Gly11Ser; replaces glycine 11 with serine.
Molecular consequence: missense variant.
Genome position (GRCh38, 1-based): chr7:128,830,668, G>A. VCF-style: chr7-128830668-G-A. GRCh37 (hg19) VCF-style: chr7-128470722-G-A.
Other names: p.Gly11Ser; c.31G>A, p.Gly11Ser (NM_001127487.2); short protein forms G11S.
Identifiers: ClinVar variation 539388 (VCV000539388.19), dbSNP rs370512642, ClinGen allele CA4473953.

ClinVar aggregate classification (germline): Conflicting classifications of pathogenicity. Review status: criteria provided, conflicting classifications (1 of 4 stars). 6 submissions from 6 submitters: Uncertain significance (2); Likely benign (4). Last evaluated 2026-01-26.

Conditions:
Cardiovascular phenotype. Identifiers: MedGen CN230736.
Hypertrophic cardiomyopathy 26. Also called: Cardiomyopathy, familial hypertrophic, 26. Identifiers: Orphanet 75249, MedGen C4310749, MONDO:0014883, OMIM 617047.
Distal myopathy with posterior leg and anterior hand involvement. Also called: WILLIAMS DISTAL MYOPATHY. Identifiers: Orphanet 63273, MedGen C3279722, MONDO:0013550, OMIM 614065.
Myofibrillar myopathy 5. Also called: Filaminopathy (type); FILAMINOPATHY, AUTOSOMAL DOMINANT. Identifiers: Orphanet 171445, MedGen C1836050, MONDO:0012289, OMIM 609524.
FLNC-related disorder. Also called: FLNC-related disorders; FLNC-related condition.

Allele frequency attached by ClinVar (database versions not stated): gnomAD exomes 0.00006; gnomAD 0.00010; ExAC 0.00011; TOPMed 0.00021; 1000 Genomes Project 30x 0.00031; ESP Exome Variant Server 0.00031; 1000 Genomes Project 0.00040.
gnomAD v4.1: 52 of 1,612,554 alleles (0.0032%); highest among the groups gnomAD compares: African/African-American, 0.056%; no homozygotes.

Submissions (6):

Labcorp Genetics (formerly Invitae), Labcorp
Classification: Likely benign for Distal myopathy with posterior leg and anterior hand involvement; Myofibrillar myopathy 5; Hypertrophic cardiomyopathy 26. Last evaluated: 2026-01-26. Review status: criteria provided, single submitter. Criteria: Invitae Variant Classification Sherloc (09022015). Collection method: clinical testing. Allele origin: germline.

PreventionGenetics, part of Exact Sciences
Classification: Likely benign for FLNC-related condition. Last evaluated: 2025-11-25. Review status: criteria provided, single submitter. Criteria: ACMG Guidelines, 2015. Collection method: clinical testing. Allele origin: germline.
Comment: This variant is classified as likely benign based on ACMG/AMP sequence variant interpretation guidelines (Richards et al. 2015 PMID: 25741868, with internal and published modifications).

Molecular Diagnostic Laboratory for Inherited Cardiovascular Disease, Montreal Heart Institute
Classification: Likely benign. Last evaluated: 2025-04-09. Review status: criteria provided, single submitter. Criteria: ACMG Guidelines, 2015. Collection method: clinical testing. Allele origin: germline. Affected: no.
Comment: BS1;BP4

Mayo Clinic Laboratories, Mayo Clinic
Classification: Uncertain significance. Last evaluated: 2025-01-24. Review status: criteria provided, single submitter. Criteria: ACMG Guidelines, 2015. Collection method: clinical testing. Allele origin: germline. Observed: 1 variant allele.

Ambry Genetics
Classification: Uncertain significance for Cardiovascular phenotype. Last evaluated: 2024-08-16. Review status: criteria provided, single submitter. Criteria: Ambry Variant Classification Scheme 2023. Collection method: clinical testing. Allele origin: germline.
Comment: The p.G11S variant (also known as c.31G>A), located in coding exon 1 of the FLNC gene, results from a G to A substitution at nucleotide position 31. The glycine at codon 11 is replaced by serine, an amino acid with similar properties. This amino acid position is not well conserved in available vertebrate species. In addition, this alteration is predicted to be tolerated by in silico analysis. Since supporting evidence is limited at this time, the clinical significance of this alteration remains unclear.

GeneDx
Classification: Likely benign. Last evaluated: 2020-01-16. Review status: criteria provided, single submitter. Criteria: GeneDx Variant Classification Process June 2021. Collection method: clinical testing. Allele origin: germline. Affected: yes.
Comment: In silico analysis, which includes protein predictors and evolutionary conservation, supports that this variant does not alter protein structure/function; Has not been previously published as pathogenic or benign to our knowledge; Reported in ClinVar but additional evidence is not available (ClinVar Variant ID# 539388; Landrum et al., 2016)